The following is an entry in ClinVar:

NM_012469.4(PRPF6):c.514C>T (p.Arg172Trp)

Gene: PRPF6 (pre-mRNA processing factor 6; plus strand). Cytogenetic location: 20q13.33.
Variant type: single nucleotide variant.
Coding change: c.514C>T on transcript NM_012469.4 (MANE Select); coding-DNA position 514, C replaced by T.
Protein change: p.Arg172Trp; replaces arginine 172 with tryptophan.
Molecular consequence: missense variant.
Genome position (GRCh38, 1-based): chr20:63,994,991, C>T. VCF-style: chr20-63994991-C-T. GRCh37 (hg19) VCF-style: chr20-62626344-C-T.
Other names: short protein forms R172W.
Identifiers: ClinVar variation 866579 (VCV000866579.13), dbSNP rs369787039, ClinGen allele CA9971925.

ClinVar aggregate classification (germline): Conflicting classifications of pathogenicity. Review status: criteria provided, conflicting classifications (1 of 4 stars). 3 submissions from 3 submitters: Pathogenic (2); Uncertain significance (1). Last evaluated 2025-01-26.

Conditions:
PRPF6-related disorder. Also called: PRPF6-related condition.
Retinal dystrophy. Also called: Inherited retinal dystrophy. Identifiers: Orphanet 71862, MedGen C0854723, MeSH D058499, MONDO:0019118, HP:0000556.

Allele frequency attached by ClinVar (database versions not stated): ExAC 0.00001; ESP Exome Variant Server 0.00008.

Submissions (3):

Labcorp Genetics (formerly Invitae), Labcorp
Classification: Pathogenic. Last evaluated: 2025-01-26. Review status: criteria provided, single submitter. Criteria: Invitae Variant Classification Sherloc (09022015). Collection method: clinical testing. Allele origin: germline.
Comment: This sequence change replaces arginine, which is basic and polar, with tryptophan, which is neutral and slightly polar, at codon 172 of the PRPF6 protein (p.Arg172Trp). This variant is present in population databases (rs369787039, gnomAD 0.0009%). This missense change has been observed in individuals with retinitis pigmentosa (PMID: 25356976; internal data). ClinVar contains an entry for this variant (Variation ID: 866579). Invitae Evidence Modeling of protein sequence and biophysical properties (such as structural, functional, and spatial information, amino acid conservation, physicochemical variation, residue mobility, and thermodynamic stability) indicates that this missense variant is expected to disrupt PRPF6 protein function with a positive predictive value of 80%. This variant disrupts the p.Arg172 amino acid residue in PRPF6. Other variant(s) that disrupt this residue have been observed in individuals with PRPF6-related conditions (internal data), which suggests that this may be a clinically significant amino acid residue. For these reasons, this variant has been classified as Pathogenic.

Dept Of Ophthalmology, Nagoya University
Classification: Uncertain significance for Retinal dystrophy. Last evaluated: 2023-10-01. Review status: criteria provided, single submitter. Criteria: Submitter's publication. Collection method: research. Allele origin: germline. Affected: yes.

Blueprint Genetics
Classification: Pathogenic for PRPF6-related disorders. Last evaluated: 2020-02-18. Review status: criteria provided, single submitter. Criteria: ACMG Guidelines, 2015. Collection method: clinical testing. Allele origin: germline. Affected: yes. Observed: 3 variant alleles.

Literature cited by the submitters: PubMed 25356976 (cited by Labcorp Genetics (formerly Invitae), Labcorp).